The following is an entry in ClinVar:

ClinVar aggregate classification (germline): Uncertain significance (1 of 4 stars; one submission).

gnomAD v4.1: 2 of 1,551,742 alleles (0.00013%); highest among the groups gnomAD compares: East Asian, 0.0024%; no homozygotes.

Submission:

Labcorp Genetics (formerly Invitae), Labcorp
Classification: Uncertain significance. Last evaluated: 2025-03-31. Review status: criteria provided, single submitter. Criteria: Invitae Variant Classification Sherloc (09022015). Collection method: clinical testing. Allele origin: germline.
Comment: This sequence change replaces arginine, which is basic and polar, with proline, which is neutral and non-polar, at codon 540 of the DTHD1 protein (p.Arg540Pro). This variant is not present in population databases (gnomAD no frequency). This variant has not been reported in the literature in individuals affected with DTHD1-related conditions. An algorithm developed to predict the effect of missense changes on protein structure and function (PolyPhen-2) suggests that this variant is likely to be disruptive. In summary, the available evidence is currently insufficient to determine the role of this variant in disease. Therefore, it has been classified as a Variant of Uncertain Significance.

NM_001170700.3(DTHD1):c.2489G>C (p.Arg830Pro)

Gene: DTHD1 (death domain containing 1; plus strand). Cytogenetic location: 4p14.
Variant type: single nucleotide variant.
Coding change: c.2489G>C on transcript NM_001170700.3 (MANE Select); coding-DNA position 2489, G replaced by C.
Protein change: p.Arg830Pro; replaces arginine 830 with proline.
Molecular consequence: missense variant. On other transcripts: non-coding transcript variant (2).
Genome position (GRCh38, 1-based): chr4:36,343,592, G>C. VCF-style: chr4-36343592-G-C. GRCh37 (hg19) VCF-style: chr4-36345214-G-C.
Other names: c.1619G>C, p.Arg540Pro (NM_001136536.5); c.1498G>C, p.Val500Leu (NM_001378435.1); short protein forms R540P, R830P, V500L.
Identifiers: ClinVar variation 3618875 (VCV003618875.2).